The following is an entry in ClinVar:

ClinVar aggregate classification (germline): Pathogenic. Review status: criteria provided, multiple submitters, no conflicts (2 of 4 stars). 3 submissions from 3 submitters: Pathogenic (2). 1 of the submissions does not count toward it. Last evaluated 2025-08-12.

Conditions:
UBIAD1-related disorder. Also called: UBIAD1-related condition.
Schnyder crystalline corneal dystrophy (SCCD). Also called: Crystalline corneal dystrophy; Schnyder corneal dystrophy. Identifiers: Orphanet 98967, MedGen C0271287, MONDO:0007374, OMIM 121800.

Allele frequency attached by ClinVar (database versions not stated): gnomAD exomes below 0.00001.

Submissions (3):

PreventionGenetics, part of Exact Sciences
Classification: Pathogenic for UBIAD1-related condition. Last evaluated: 2025-08-12. Review status: criteria provided, single submitter. Criteria: ACMG Guidelines, 2015. Collection method: clinical testing. Allele origin: germline.
Comment: The UBIAD1 c.305A>G variant is predicted to result in the amino acid substitution p.Asn102Ser. This variant has been reported in the heterozygous state in individuals with Schnyder crystalline corneal dystrophy (see for example: Orr et al. 2007. PubMed ID: 17668063; Sarosiak et al. 2018. PubMed ID: 30084067). This variant has been shown to impact protein function, and is considered a recurrent hotspot alteration (Nickerson et al. 2010. PubMed ID: 20505825; Nickerson et al. 2013. PubMed ID: 23169578). This variant has not been reported in a large population database (gnomAD), indicating this variant is rare. This variant has not been reported in a large population database (gnomAD), indicating this variant is rare. This variant is interpreted as pathogenic.

Labcorp Genetics (formerly Invitae), Labcorp
Classification: Pathogenic. Last evaluated: 2025-06-10. Review status: criteria provided, single submitter. Criteria: Invitae Variant Classification Sherloc (09022015). Collection method: clinical testing. Allele origin: germline.
Comment: This sequence change replaces asparagine, which is neutral and polar, with serine, which is neutral and polar, at codon 102 of the UBIAD1 protein (p.Asn102Ser). This variant is not present in population databases (gnomAD no frequency). This missense change has been observed in individuals with Schnyder corneal dystrophy (PMID: 17668063, 23328470, 30084067, 30223810; internal data). It has also been observed to segregate with disease in related individuals. ClinVar contains an entry for this variant (Variation ID: 856). Invitae Evidence Modeling of protein sequence and biophysical properties (such as structural, functional, and spatial information, amino acid conservation, physicochemical variation, residue mobility, and thermodynamic stability) indicates that this missense variant is not expected to disrupt UBIAD1 protein function with a negative predictive value of 80%. Experimental studies have shown that this missense change affects UBIAD1 function (PMID: 29977031). For these reasons, this variant has been classified as Pathogenic.

OMIM
Classification: Pathogenic for CORNEAL DYSTROPHY, SCHNYDER. Last evaluated: 2013-02-01. Review status: no assertion criteria provided. Collection method: literature only. Allele origin: germline. Not counted in ClinVar's aggregate classification.

Literature cited by the submitters: PubMed 17668063 (cited by Labcorp Genetics (formerly Invitae), Labcorp and OMIM); PubMed 23328470 (cited by Labcorp Genetics (formerly Invitae), Labcorp); PubMed 30084067 (cited by Labcorp Genetics (formerly Invitae), Labcorp); PubMed 30223810 (cited by Labcorp Genetics (formerly Invitae), Labcorp); PubMed 29977031 (cited by Labcorp Genetics (formerly Invitae), Labcorp); PubMed 9450854 (cited by OMIM); PubMed 15034782 (cited by OMIM); PubMed 17962451 (cited by OMIM); PubMed 3486394 (cited by OMIM); PubMed 18176953 (cited by OMIM); PubMed 23169578 (cited by OMIM).

NM_013319.3(UBIAD1):c.305A>G (p.Asn102Ser)

Gene: UBIAD1 (UbiA prenyltransferase domain containing 1; plus strand). Cytogenetic location: 1p36.22.
Variant type: single nucleotide variant.
Coding change: c.305A>G on transcript NM_013319.3 (MANE Select); coding-DNA position 305, A replaced by G.
Protein change: p.Asn102Ser; replaces asparagine 102 with serine.
Molecular consequence: missense variant.
Genome position (GRCh38, 1-based): chr1:11,273,836, A>G. VCF-style: chr1-11273836-A-G. GRCh37 (hg19) VCF-style: chr1-11333893-A-G.
Other names: c.305A>G, p.Asn102Ser (NM_001330349.2, NM_001330350.2); c.305A>G (NM_013319.2); short protein forms N102S.
Identifiers: ClinVar variation 856 (VCV000000856.3), dbSNP rs118203945, ClinGen allele CA114575.
Genomic context (GRCh38, chr1:11,273,836, plus strand): 5'-GGCTCTTGGTGGGTTGTGCCGTGGCTGTCCTGGCTGTGCACGGGGCCGGTAATTTGGTCA[A>G]CACTTACTATGACTTTTCCAAGGGCATTGACCACAAAAAGAGTGATGACAGGACACTTGT-3'
Protein context (NP_037451.1, residues 92-112): LAVHGAGNLV[Asn102Ser]TYYDFSKGID